The following is an entry in ClinVar:

ClinVar aggregate classification (germline): Uncertain significance. Review status: criteria provided, multiple submitters, no conflicts (2 of 4 stars). 2 submissions from 2 submitters: Uncertain significance (2). Last evaluated 2024-02-05.

Conditions:
Glycine encephalopathy. Also called: Nonketotic hyperglycinemia; Non-ketotic hyperglycinemia. Identifiers: Orphanet 407, MedGen C0751748, MONDO:0011612, HP:0008288.
Inborn genetic diseases. Identifiers: MedGen C0950123, MeSH D030342.

Allele frequency attached by ClinVar (database versions not stated): gnomAD exomes 0.00001 and 0.00003; ExAC 0.00003; TOPMed 0.00008; gnomAD 0.00011 and 0.00012.
gnomAD v4.1: 38 of 1,613,832 alleles (0.0024%); highest among the groups gnomAD compares: Admixed American, 0.033%; no homozygotes.

Submissions (2):

Labcorp Genetics (formerly Invitae), Labcorp
Classification: Uncertain significance for Glycine encephalopathy. Last evaluated: 2024-02-05. Review status: criteria provided, single submitter. Criteria: Invitae Variant Classification Sherloc (09022015). Collection method: clinical testing. Allele origin: germline.
Comment: This sequence change replaces arginine, which is basic and polar, with tryptophan, which is neutral and slightly polar, at codon 318 of the AMT protein (p.Arg318Trp). This variant is present in population databases (rs777583902, gnomAD 0.009%). This variant has not been reported in the literature in individuals affected with AMT-related conditions. ClinVar contains an entry for this variant (Variation ID: 1406562). Advanced modeling of protein sequence and biophysical properties (such as structural, functional, and spatial information, amino acid conservation, physicochemical variation, residue mobility, and thermodynamic stability) has been performed at Invitae for this missense variant, however the output from this modeling did not meet the statistical confidence thresholds required to predict the impact of this variant on AMT protein function. Algorithms developed to predict the effect of sequence changes on RNA splicing suggest that this variant may disrupt the consensus splice site. In summary, the available evidence is currently insufficient to determine the role of this variant in disease. Therefore, it has been classified as a Variant of Uncertain Significance.

Ambry Genetics
Classification: Uncertain significance for Inborn genetic diseases. Last evaluated: 2022-12-14. Review status: criteria provided, single submitter. Criteria: Ambry Variant Classification Scheme 2023. Collection method: clinical testing. Allele origin: germline.

NM_000481.4(AMT):c.952C>T (p.Arg318Trp)

Gene: AMT (aminomethyltransferase; minus strand). Cytogenetic location: 3p21.31.
Variant type: single nucleotide variant.
Coding change: c.952C>T on transcript NM_000481.4 (MANE Select); coding-DNA position 952, C replaced by T.
Protein change: p.Arg318Trp; replaces arginine 318 with tryptophan.
Molecular consequence: missense variant. On other transcripts: non-coding transcript variant (1).
Genome position (GRCh38, 1-based): chr3:49,417,899, G>A on the plus strand (C>T on the coding strand, the complement: AMT is on the minus strand). VCF-style: chr3-49417899-G-A. GRCh37 (hg19) VCF-style: chr3-49455332-G-A.
Other names: c.820C>T, p.Arg274Trp (NM_001164710.2); c.784C>T, p.Arg262Trp (NM_001164711.2); c.952C>T, p.Arg318Trp (NM_001164712.2); c.952C>T (NM_000481.3); short protein forms R318W, R274W, R262W.
Identifiers: ClinVar variation 1406562 (VCV001406562.11), dbSNP rs777583902, ClinGen allele CA2398197.
Genomic context (GRCh38, chr3:49,417,899, plus strand): 5'-TCAGGATGGGACTGTGTGCCCGCATGGGGGCCCCCTCACACATCAACCCCACACGCCTCC[G>A]CTGCACCCTGCCCTTCAGCTGGGGAACAATGACCTTGGCTCCAGGGAAGTCCATAGCAGC-3'
Protein context (NP_000472.2, residues 308-328): IVPQLKGRVQ[Arg318Trp]RRVGLMCEGA